The following is an entry in ClinVar:

NM_002439.5(MSH3):c.1795G>A (p.Glu599Lys)

Gene: MSH3 (mutS homolog 3; plus strand). Cytogenetic location: 5q14.1.
Variant type: single nucleotide variant.
Coding change: c.1795G>A on transcript NM_002439.5 (MANE Select); coding-DNA position 1795, G replaced by A.
Protein change: p.Glu599Lys; replaces glutamic acid 599 with lysine.
Molecular consequence: missense variant.
Genome position (GRCh38, 1-based): chr5:80,761,577, G>A. VCF-style: chr5-80761577-G-A. GRCh37 (hg19) VCF-style: chr5-80057396-G-A.
Other names: c.1795G>A (NM_002439.3); short protein forms E599K.
Identifiers: ClinVar variation 1500227 (VCV001500227.7), dbSNP rs2112879901, ClinGen allele CA360276528.

ClinVar aggregate classification (germline): Uncertain significance. Review status: criteria provided, multiple submitters, no conflicts (2 of 4 stars). 2 submissions from 2 submitters: Uncertain significance (2). Last evaluated 2025-09-28.

Conditions:
Hereditary cancer-predisposing syndrome. Also called: Tumor predisposition; Hereditary neoplastic syndrome; Neoplastic Syndromes, Hereditary; Hereditary Cancer Syndrome. Identifiers: Orphanet 140162, MedGen C0027672, MeSH D009386, MONDO:0015356.

Submissions (2):

Ambry Genetics
Classification: Uncertain significance for Hereditary cancer-predisposing syndrome. Last evaluated: 2025-09-28. Review status: criteria provided, single submitter. Criteria: Ambry Variant Classification Scheme 2023. Collection method: clinical testing. Allele origin: germline.
Comment: The p.E599K variant (also known as c.1795G>A), located in coding exon 13 of the MSH3 gene, results from a G to A substitution at nucleotide position 1795. The glutamic acid at codon 599 is replaced by lysine, an amino acid with similar properties. This amino acid position is conserved. In addition, this alteration is predicted to be deleterious by in silico analysis. Based on the available evidence, the clinical significance of this variant remains unclear.

Labcorp Genetics (formerly Invitae), Labcorp
Classification: Uncertain significance. Last evaluated: 2022-03-27. Review status: criteria provided, single submitter. Criteria: Invitae Variant Classification Sherloc (09022015). Collection method: clinical testing. Allele origin: germline.
Comment: In summary, the available evidence is currently insufficient to determine the role of this variant in disease. Therefore, it has been classified as a Variant of Uncertain Significance. Algorithms developed to predict the effect of missense changes on protein structure and function are either unavailable or do not agree on the potential impact of this missense change (SIFT: "Tolerated"; PolyPhen-2: "Probably Damaging"; Align-GVGD: "Class C0"). This variant has not been reported in the literature in individuals affected with MSH3-related conditions. This variant is not present in population databases (gnomAD no frequency). This sequence change replaces glutamic acid, which is acidic and polar, with lysine, which is basic and polar, at codon 599 of the MSH3 protein (p.Glu599Lys).